The following is an entry in ClinVar:

NM_000228.3(LAMB3):c.482G>T (p.Arg161Leu)

Gene: LAMB3 (laminin subunit beta 3; minus strand). Cytogenetic location: 1q32.2.
Variant type: single nucleotide variant.
Coding change: c.482G>T on transcript NM_000228.3 (MANE Select); coding-DNA position 482, G replaced by T.
Protein change: p.Arg161Leu; replaces arginine 161 with leucine.
Molecular consequence: missense variant.
Genome position (GRCh38, 1-based): chr1:209,634,529, C>A on the plus strand (G>T on the coding strand, the complement: LAMB3 is on the minus strand). VCF-style: chr1-209634529-C-A. GRCh37 (hg19) VCF-style: chr1-209807874-C-A.
Other names: c.482G>T, p.Arg161Leu (NM_001017402.2, NM_001127641.1); short protein forms R161L.
Identifiers: ClinVar variation 3356991 (VCV003356991.2).
Genomic context (GRCh38, chr1:209,634,529, plus strand): 5'-TTAGGCCTCTGAGGCAGGGACTGGCACCGAACATCCTGCCAGCTCTGAGGCCGACCCTGG[C>A]GGACCCGAGGGAAGGTGGAGGTGCAGTCGGCAGCCAGGTACTGGTACACTCGCCAGGTCT-3'
Protein context (NP_000219.2, residues 151-171): ADCTSTFPRV[Arg161Leu]QGRPQSWQDV

ClinVar aggregate classification (germline): Uncertain significance. Review status: criteria provided, single submitter (1 of 4 stars). 2 submissions from 2 submitters: Uncertain significance (1). 1 of the submissions does not count toward it. Last evaluated 2025-12-30.

Conditions:
Inborn genetic diseases. Identifiers: MedGen C0950123, MeSH D030342.
LAMB3-related disorder. Also called: LAMB3-related condition.

Submissions (2):

Ambry Genetics
Classification: Uncertain significance for Inborn genetic diseases. Last evaluated: 2025-12-30. Review status: criteria provided, single submitter. Criteria: Ambry Variant Classification Scheme 2023. Collection method: clinical testing. Allele origin: germline.

PreventionGenetics, part of Exact Sciences
Classification: Uncertain significance for LAMB3-related condition. Last evaluated: 2024-03-19. Review status: no assertion criteria provided. Collection method: clinical testing. Allele origin: germline. Not counted in ClinVar's aggregate classification.
Comment: The LAMB3 c.482G>T variant is predicted to result in the amino acid substitution p.Arg161Leu. To our knowledge, this variant has not been reported in the literature. This variant is reported in 0.0054% of alleles in individuals of East Asian descent in gnomAD. At this time, the clinical significance of this variant is uncertain due to the absence of conclusive functional and genetic evidence.